The following is an entry in ClinVar:

ClinVar aggregate classification (germline): Uncertain significance (1 of 4 stars; one submission).

gnomAD v4.1: 1 of 1,613,824 alleles (0.000062%); highest among the groups gnomAD compares: Non-Finnish European, 0.000085%; no homozygotes.

Submission:

GeneDx
Classification: Uncertain significance. Last evaluated: 2019-09-12. Review status: criteria provided, single submitter. Criteria: GeneDx Variant Classification Process June 2021. Collection method: clinical testing. Allele origin: germline. Affected: yes.
Comment: Not observed in large population cohorts (Lek et al., 2016); In silico analysis, which includes protein predictors and evolutionary conservation, supports a deleterious effect; Has not been previously published as pathogenic or benign to our knowledge

NM_001271.4(CHD2):c.2543A>G (p.Gln848Arg)

Gene: CHD2 (chromodomain helicase DNA binding protein 2; plus strand). Cytogenetic location: 15q26.1.
Variant type: single nucleotide variant.
Coding change: c.2543A>G on transcript NM_001271.4 (MANE Select); coding-DNA position 2543, A replaced by G.
Protein change: p.Gln848Arg; replaces glutamine 848 with arginine.
Molecular consequence: missense variant.
Genome position (GRCh38, 1-based): chr15:92,974,916, A>G. VCF-style: chr15-92974916-A-G. GRCh37 (hg19) VCF-style: chr15-93518146-A-G.
Other names: short protein forms Q848R.
Identifiers: ClinVar variation 423437 (VCV000423437.3), dbSNP rs1064796424, ClinGen allele CA16620047.